The following is an entry in ClinVar:

NM_000426.4(LAMA2):c.4280del (p.Ser1427fs)

Gene: LAMA2 (laminin subunit alpha 2; plus strand). Cytogenetic location: 6q22.33.
Variant type: Deletion.
Coding change: c.4280del on transcript NM_000426.4 (MANE Select); coding-DNA position 4280, one base deleted (G; older notation c.4280delG).
Protein change: p.Ser1427fs; shifts the reading frame from serine 1427.
Molecular consequence: frameshift variant.
Genome position (GRCh38, 1-based): chr6:129,328,381, G deleted. VCF-style (leftmost placement, unchanged base first): chr6-129328380-AG-A. GRCh37 (hg19) VCF-style: chr6-129649525-AG-A.
Other names: c.4280del (NM_000426.3); c.4280del, p.Ser1427fs (NM_001079823.2); short protein forms S1427fs.
Identifiers: ClinVar variation 817614 (VCV000817614.15), dbSNP rs1433071073, ClinGen allele CA818863901.

ClinVar aggregate classification (germline): Pathogenic/Likely pathogenic. Review status: criteria provided, multiple submitters, no conflicts (2 of 4 stars). 4 submissions from 4 submitters: Pathogenic (3); Likely pathogenic (1). Last evaluated 2025-01-24.

Conditions:
Merosin deficient congenital muscular dystrophy (MDC1A). Also called: Congenital merosin-deficient muscular dystrophy 1A; Congenital Muscular Dystrophy Type 1A (MDC1A). Identifiers: Orphanet 258, MedGen C1263858, MONDO:0011925, OMIM 607855.
Muscular dystrophy, limb-girdle, autosomal recessive 23. Identifiers: Orphanet 565837, MedGen C4748327, MONDO:0029136, OMIM 618138.
LAMA2-related muscular dystrophy (LAMA2-RD). Also called: Laminin alpha 2-related dystrophy. Identifiers: MedGen C5679788, MONDO:0100228.

Allele frequency attached by ClinVar (database versions not stated): TOPMed below 0.00001; gnomAD 0.00001.

Submissions (4):

GeneDx
Classification: Pathogenic. Last evaluated: 2025-01-24. Review status: criteria provided, single submitter. Criteria: GeneDx Variant Classification Process June 2021. Collection method: clinical testing. Allele origin: germline. Affected: yes.
Comment: Reported as c.4329delG in an individual with congenital muscular dystrophy, but additional information was not provided (PMID: 11938437); Frameshift variant predicted to result in protein truncation or nonsense mediated decay in a gene for which loss of function is a known mechanism of disease; Not observed at significant frequency in large population cohorts (gnomAD); This variant is associated with the following publications: (PMID: 11938437)

Fulgent Genetics
Classification: Pathogenic for Merosin deficient congenital muscular dystrophy; Muscular dystrophy, limb-girdle, autosomal recessive 23. Last evaluated: 2024-05-06. Review status: criteria provided, single submitter. Criteria: ACMG Guidelines, 2015. Collection method: clinical testing. Allele origin: germline.

Baylor Genetics
Classification: Likely pathogenic for Merosin deficient congenital muscular dystrophy. Last evaluated: 2024-03-01. Review status: criteria provided, single submitter. Criteria: ACMG Guidelines, 2015. Collection method: clinical testing. Allele origin: unknown.

Labcorp Genetics (formerly Invitae), Labcorp
Classification: Pathogenic for LAMA2-related muscular dystrophy. Last evaluated: 2023-09-03. Review status: criteria provided, single submitter. Criteria: Invitae Variant Classification Sherloc (09022015). Collection method: clinical testing. Allele origin: germline.
Comment: This sequence change creates a premature translational stop signal (p.Ser1427Thrfs*47) in the LAMA2 gene. It is expected to result in an absent or disrupted protein product. Loss-of-function variants in LAMA2 are known to be pathogenic (PMID: 18700894, 32904964). This variant is not present in population databases (gnomAD no frequency). This variant has not been reported in the literature in individuals affected with LAMA2-related conditions. ClinVar contains an entry for this variant (Variation ID: 817614). For these reasons, this variant has been classified as Pathogenic.

Literature cited by the submitters: PubMed 18700894 (cited by Labcorp Genetics (formerly Invitae), Labcorp); PubMed 32904964 (cited by Labcorp Genetics (formerly Invitae), Labcorp).